The following is an entry in ClinVar:

ClinVar aggregate classification (germline): Uncertain significance (1 of 4 stars; one submission).

Conditions:
Neuroblastoma, susceptibility to, 3. Also called: ALK-Related Neuroblastic Tumor Susceptibility. Identifiers: Orphanet 635, MedGen C2751681, MONDO:0013083, OMIM 613014.

Submission:

Labcorp Genetics (formerly Invitae), Labcorp
Classification: Uncertain significance for Neuroblastoma, susceptibility to, 3. Last evaluated: 2025-04-20. Review status: criteria provided, single submitter. Criteria: Invitae Variant Classification Sherloc (09022015). Collection method: clinical testing. Allele origin: germline.
Comment: This sequence change replaces arginine, which is basic and polar, with glycine, which is neutral and non-polar, at codon 84 of the ALK protein (p.Arg84Gly). This variant is not present in population databases (gnomAD no frequency). This variant has not been reported in the literature in individuals affected with ALK-related conditions. An algorithm developed to predict the effect of missense changes on protein structure and function outputs the following: PolyPhen-2: "Benign". The glycine amino acid residue is found in multiple mammalian species, which suggests that this missense change does not adversely affect protein function. In summary, the available evidence is currently insufficient to determine the role of this variant in disease. Therefore, it has been classified as a Variant of Uncertain Significance.

NM_004304.5(ALK):c.250A>G (p.Arg84Gly)

Gene: ALK (ALK receptor tyrosine kinase; minus strand). Cytogenetic location: 2p23.1.
Variant type: single nucleotide variant.
Coding change: c.250A>G on transcript NM_004304.5 (MANE Select); coding-DNA position 250, A replaced by G.
Protein change: p.Arg84Gly; replaces arginine 84 with glycine.
Molecular consequence: missense variant.
Genome position (GRCh38, 1-based): chr2:29,920,410, T>C on the plus strand (A>G on the coding strand, the complement: ALK is on the minus strand). VCF-style: chr2-29920410-T-C. GRCh37 (hg19) VCF-style: chr2-30143276-T-C.
Other names: short protein forms R84G.
Identifiers: ClinVar variation 4706009 (VCV004706009.1).